The following is an entry in ClinVar:

NM_000355.4(TCN2):c.90G>A (p.Leu30=)

Gene: TCN2 (transcobalamin 2; plus strand). Cytogenetic location: 22q12.2.
Variant type: single nucleotide variant.
Coding change: c.90G>A on transcript NM_000355.4 (MANE Select); coding-DNA position 90, G replaced by A.
Protein change: p.Leu30=; no amino-acid change (leucine 30 retained).
Molecular consequence: synonymous variant.
Genome position (GRCh38, 1-based): chr22:30,610,896, G>A. VCF-style: chr22-30610896-G-A. GRCh37 (hg19) VCF-style: chr22-31006883-G-A.
Other names: c.90G>A (NM_000355.3); c.90G>A, p.Leu30= (NM_001184726.2).
Identifiers: ClinVar variation 1558285 (VCV001558285.11), dbSNP rs576996415, ClinGen allele CA10184492.

ClinVar aggregate classification (germline): Benign/Likely benign. Review status: criteria provided, multiple submitters, no conflicts (2 of 4 stars). 3 submissions from 3 submitters: Benign (1); Likely benign (1). 1 of the submissions does not count toward it. Last evaluated 2026-01-24.

Conditions:
Transcobalamin II deficiency (TCN2D). Also called: TC II DEFICIENCY; TCN2 DEFICIENCY; Transcolabamin II deficiency. Identifiers: Orphanet 859, MedGen C0342701, MONDO:0010149, OMIM 275350.
TCN2-related disorder. Also called: TCN2-related condition.

Allele frequency attached by ClinVar (database versions not stated): 1000 Genomes Project 0.00020; gnomAD exomes 0.00028 and 0.00056; 1000 Genomes Project 30x 0.00031; ExAC 0.00068.
gnomAD v4.1: 423 of 1,614,194 alleles (0.026%); highest among the groups gnomAD compares: South Asian, 0.45%; 2 homozygotes.

Submissions (3):

Labcorp Genetics (formerly Invitae), Labcorp
Classification: Benign for Transcobalamin II deficiency. Last evaluated: 2026-01-24. Review status: criteria provided, single submitter. Criteria: Invitae Variant Classification Sherloc (09022015). Collection method: clinical testing. Allele origin: germline.

Blueprint Genetics
Classification: Likely benign. Last evaluated: 2024-11-21. Review status: criteria provided, single submitter. Criteria: ACMG Guidelines, 2015. Collection method: clinical testing. Allele origin: germline.

PreventionGenetics, part of Exact Sciences
Classification: Likely benign for TCN2-related condition. Last evaluated: 2019-06-20. Review status: no assertion criteria provided. Collection method: clinical testing. Allele origin: germline. Not counted in ClinVar's aggregate classification.
Comment: This variant is classified as likely benign based on ACMG/AMP sequence variant interpretation guidelines (Richards et al. 2015 PMID: 25741868, with internal and published modifications).